The following is an entry in ClinVar:

NM_001852.4(COL9A2):c.1282G>C (p.Asp428His)

Gene: COL9A2 (collagen type IX alpha 2 chain; minus strand). Cytogenetic location: 1p34.2.
Variant type: single nucleotide variant.
Coding change: c.1282G>C on transcript NM_001852.4 (MANE Select); coding-DNA position 1282, G replaced by C.
Protein change: p.Asp428His; replaces aspartic acid 428 with histidine.
Molecular consequence: missense variant.
Genome position (GRCh38, 1-based): chr1:40,304,325, C>G on the plus strand (G>C on the coding strand, the complement: COL9A2 is on the minus strand). VCF-style: chr1-40304325-C-G. GRCh37 (hg19) VCF-style: chr1-40769997-C-G.
Other names: short protein forms D428H.
Identifiers: ClinVar variation 875263 (VCV000875263.15), dbSNP rs375240237, ClinGen allele CA21041335.
Genomic context (GRCh38, chr1:40,304,325, plus strand): 5'-CACTCCCCCTGTTATAGGGCCCCTTTCCCAGGTGTTTCCCAGCCCCATCTGGCACCTTGT[C>G]TCCTTTGACGCCTGGCAAGCCTTGGGGCCCTGGAATTCCGGGGGGGCCCTGCTCCCCCTT-3'
Protein context (NP_001843.1, residues 418-438): GPQGLPGVKG[Asp428His]KGSPGKTGPR

ClinVar aggregate classification (germline): Uncertain significance. Review status: criteria provided, multiple submitters, no conflicts (2 of 4 stars). 6 submissions from 6 submitters: Uncertain significance (6). Last evaluated 2026-02-01.

Conditions:
Epiphyseal dysplasia, multiple, 2 (EDM2). Also called: COL9A2-Related Multiple Epiphyseal Dysplasia. Identifiers: MedGen C1838429, MONDO:0010844, OMIM 600204.
Inborn genetic diseases. Identifiers: MedGen C0950123, MeSH D030342.

Allele frequency attached by ClinVar (database versions not stated): gnomAD 0.00006 and 0.00007; ESP Exome Variant Server 0.00008; gnomAD exomes 0.00005 and 0.00010; TOPMed 0.00005.
gnomAD v4.1: 151 of 1,561,060 alleles (0.0097%); highest among the groups gnomAD compares: Non-Finnish European, 0.012%; no homozygotes.

Submissions (6):

Labcorp Genetics (formerly Invitae), Labcorp
Classification: Uncertain significance. Last evaluated: 2026-02-01. Review status: criteria provided, single submitter. Criteria: Invitae Variant Classification Sherloc (09022015). Collection method: clinical testing. Allele origin: germline.
Comment: This sequence change replaces aspartic acid, which is acidic and polar, with histidine, which is basic and polar, at codon 428 of the COL9A2 protein (p.Asp428His). This variant is present in population databases (rs375240237, gnomAD 0.01%). This variant has not been reported in the literature in individuals affected with COL9A2-related conditions. ClinVar contains an entry for this variant (Variation ID: 875263). Invitae Evidence Modeling of protein sequence and biophysical properties (such as structural, functional, and spatial information, amino acid conservation, physicochemical variation, residue mobility, and thermodynamic stability) indicates that this missense variant is not expected to disrupt COL9A2 protein function with a negative predictive value of 95%. In summary, the available evidence is currently insufficient to determine the role of this variant in disease. Therefore, it has been classified as a Variant of Uncertain Significance.

Ambry Genetics
Classification: Uncertain significance for Inborn genetic diseases. Last evaluated: 2025-08-19. Review status: criteria provided, single submitter. Criteria: Ambry Variant Classification Scheme 2023. Collection method: clinical testing. Allele origin: germline.

GeneDx
Classification: Uncertain significance. Last evaluated: 2023-10-19. Review status: criteria provided, single submitter. Criteria: GeneDx Variant Classification Process June 2021. Collection method: clinical testing. Allele origin: germline. Affected: yes.
Comment: Has not been previously published as pathogenic or benign to our knowledge; In silico analysis supports that this missense variant has a deleterious effect on protein structure/function

Blueprint Genetics
Classification: Uncertain significance. Last evaluated: 2023-05-08. Review status: criteria provided, single submitter. Criteria: ACMG Guidelines, 2015. Collection method: clinical testing. Allele origin: germline.

Revvity Omics, Revvity
Classification: Uncertain significance. Last evaluated: 2019-05-28. Review status: criteria provided, single submitter. Criteria: ACMG Guidelines, 2015. Collection method: clinical testing. Allele origin: germline.

Illumina Laboratory Services, Illumina
Classification: Uncertain significance for Epiphyseal dysplasia, multiple, 2. Last evaluated: 2018-01-13. Review status: criteria provided, single submitter. Criteria: ICSL Variant Classification Criteria 13 December 2019. Collection method: clinical testing. Allele origin: germline.